The following is an entry in ClinVar:

NM_006842.3(SF3B2):c.2085G>A (p.Gln695=)

Gene: SF3B2 (splicing factor 3b subunit 2; plus strand). Cytogenetic location: 11q13.1.
Variant type: single nucleotide variant.
Coding change: c.2085G>A on transcript NM_006842.3 (MANE Select); coding-DNA position 2085, G replaced by A.
Protein change: p.Gln695=; no amino-acid change (glutamine 695 retained).
Molecular consequence: synonymous variant.
Genome position (GRCh38, 1-based): chr11:66,063,116, G>A. VCF-style: chr11-66063116-G-A. GRCh37 (hg19) VCF-style: chr11-65830587-G-A.
Identifiers: ClinVar variation 2231218 (VCV002231218.2), dbSNP rs771948756, ClinGen allele CA6115967.

ClinVar aggregate classification (germline): Uncertain significance (1 of 4 stars; one submission).

Conditions:
Inborn genetic diseases. Identifiers: MedGen C0950123, MeSH D030342.

Allele frequency attached by ClinVar (database versions not stated): gnomAD exomes below 0.00001; ExAC 0.00001; gnomAD 0.00007; TOPMed 0.00013.
gnomAD v4.1: 14 of 1,607,870 alleles (0.00087%); highest among the groups gnomAD compares: African/African-American, 0.017%; no homozygotes.

Submission:

Ambry Genetics
Classification: Uncertain significance for Inborn genetic diseases. Last evaluated: 2022-02-28. Review status: criteria provided, single submitter. Criteria: Ambry Variant Classification Scheme 2023. Collection method: clinical testing. Allele origin: germline.
Comment: Occurs in the last base pair of the exon Based on insufficient or conflicting evidence, the clinical significance of this alteration remains unclear.